The following is an entry in ClinVar:

ClinVar aggregate classification (germline): Uncertain significance (1 of 4 stars; one submission).

Conditions:
Hereditary cancer-predisposing syndrome. Also called: Neoplastic Syndromes, Hereditary; Tumor predisposition; Hereditary Cancer Syndrome; Hereditary neoplastic syndrome. Identifiers: Orphanet 140162, MedGen C0027672, MeSH D009386, MONDO:0015356.

Submission:

Ambry Genetics
Classification: Uncertain significance for Hereditary cancer-predisposing syndrome. Last evaluated: 2025-07-18. Review status: criteria provided, single submitter. Criteria: Ambry Variant Classification Scheme 2023. Collection method: clinical testing. Allele origin: germline.
Comment: The p.E454G variant (also known as c.1361A>G), located in coding exon 11 of the SUFU gene, results from an A to G substitution at nucleotide position 1361. The glutamic acid at codon 454 is replaced by glycine, an amino acid with similar properties. This amino acid position is conserved. In silico splice site analysis for this alteration is inconclusive; however, direct evidence is insufficient at this time (Ambry internal data). In addition, this alteration is predicted to be tolerated by in silico analysis. Based on the available evidence, the clinical significance of this variant remains unclear.

NM_016169.4(SUFU):c.1361A>G (p.Glu454Gly)

Gene: SUFU (SUFU negative regulator of hedgehog signaling; plus strand). Cytogenetic location: 10q24.32.
Variant type: single nucleotide variant.
Coding change: c.1361A>G on transcript NM_016169.4 (MANE Select); coding-DNA position 1361, A replaced by G.
Protein change: p.Glu454Gly; replaces glutamic acid 454 with glycine.
Molecular consequence: missense variant.
Genome position (GRCh38, 1-based): chr10:102,627,239, A>G. VCF-style: chr10-102627239-A-G. GRCh37 (hg19) VCF-style: chr10-104386996-A-G.
Other names: short protein forms E454G.
Identifiers: ClinVar variation 4177541 (VCV004177541.1).